The following is an entry in ClinVar:

ClinVar aggregate classification (germline): Uncertain significance (1 of 4 stars; one submission).

Conditions:
Blepharophimosis, ptosis, and epicanthus inversus syndrome. Identifiers: Orphanet 126, MedGen C0220663, MONDO:0007201, OMIM 110100.

Submission:

Genomic Diagnostic Laboratory, Division of Genomic Diagnostics, Children's Hospital of Philadelphia
Classification: Uncertain significance for Blepharophimosis, ptosis, and epicanthus inversus syndrome. Last evaluated: 2016-11-03. Review status: criteria provided, single submitter. Criteria: DGD Variant Analysis Guidelines. Collection method: clinical testing. Allele origin: germline. Affected: yes. Observed: 2 variant alleles.
Comment: Clinical Testing

NM_023067.4(FOXL2):c.208A>G (p.Ser70Gly)

Gene: FOXL2 (forkhead box L2; minus strand). Cytogenetic location: 3q22.3.
Variant type: single nucleotide variant.
Coding change: c.208A>G on transcript NM_023067.4 (MANE Select); coding-DNA position 208, A replaced by G.
Protein change: p.Ser70Gly; replaces serine 70 with glycine.
Molecular consequence: missense variant.
Genome position (GRCh38, 1-based): chr3:138,946,515, T>C on the plus strand (A>G on the coding strand, the complement: FOXL2 is on the minus strand). VCF-style: chr3-138946515-T-C. GRCh37 (hg19) VCF-style: chr3-138665357-T-C.
Other names: short protein forms S70G.
Identifiers: ClinVar variation 369894 (VCV000369894.1), dbSNP rs1057516146, ClinGen allele CA10654900.